The following is an entry in ClinVar:

ClinVar aggregate classification (germline): Likely pathogenic (1 of 4 stars; one submission).

Conditions:
Renal carnitine transport defect (CDSP). Also called: CARNITINE DEFICIENCY, SYSTEMIC, DUE TO DEFECT IN RENAL REABSORPTION OF CARNITINE; CARNITINE TRANSPORTER, PLASMA-MEMBRANE, DEFICIENCY OF; CARNITINE UPTAKE DEFECT; Carnitine Deficiency, Systemic; Primary carnitine deficiency; Systemic primary carnitine deficiency. Identifiers: Orphanet 158, MedGen C0342788, MONDO:0008919, OMIM 212140.

Submission:

Myriad Genetics, Inc.
Classification: Likely pathogenic for Renal carnitine transport defect. Last evaluated: 2022-02-12. Review status: criteria provided, single submitter. Criteria: Myriad Women's Health Autosomal Recessive and X-Linked Classification Criteria (2021). Collection method: clinical testing. Allele origin: unknown.
Comment: NM_003060.3(SLC22A5):c.1258delG(V420Yfs*13) is expected to be pathogenic in the context of primary carnitine deficiency. This variant is predicted to lead to an abnormal or absent protein product due to the creation of a premature termination codon in SLC22A5, a gene where loss-of-function variants are known to be pathogenic. Please note: this variant was assessed in the context of healthy population screening.

NM_003060.4(SLC22A5):c.1258del (p.Val420fs)

Gene: SLC22A5 (solute carrier family 22 member 5; plus strand). Cytogenetic location: 5q31.1.
Variant type: Deletion.
Coding change: c.1258del on transcript NM_003060.4 (MANE Select); coding-DNA position 1258, one base deleted (G; older notation c.1258delG).
Protein change: p.Val420fs; shifts the reading frame from valine 420.
Molecular consequence: frameshift variant.
Genome position (GRCh38, 1-based): chr5:132,390,895, G deleted; the last of 2 consecutive G bases (chr5:132,390,894-132,390,895); deleting either gives the same sequence. VCF-style (leftmost placement, unchanged base first): chr5-132390893-TG-T. GRCh37 (hg19) VCF-style: chr5-131726585-TG-T.
Other names: c.1330del, p.Val444fs (NM_001308122.2); short protein forms V420fs, V444fs.
Identifiers: ClinVar variation 1724410 (VCV001724410.2), dbSNP rs2532134826, ClinGen allele CA2580072653.